The following is an entry in ClinVar:

ClinVar aggregate classification (germline): Likely benign (1 of 4 stars; one submission).

Submission:

CeGaT Center for Human Genetics Tuebingen
Classification: Likely benign. Last evaluated: 2024-05-01. Review status: criteria provided, single submitter. Criteria: CeGaT Center For Human Genetics Tuebingen Variant Classification Criteria Version 2. Collection method: clinical testing. Allele origin: germline. Affected: yes. Observed: 1 variant allele.
Comment: SRPX: BS2

NM_006307.5(SRPX):c.70_71insTGCCGCCTCTGCTGCTGCTGCTGCTGC (p.Leu23_Arg24insLeuProProLeuLeuLeuLeuLeuLeu)

Gene: SRPX (sushi repeat containing protein X-linked; minus strand). Cytogenetic location: Xp11.4.
Variant type: Microsatellite.
Coding change: c.70_71insTGCCGCCTCTGCTGCTGCTGCTGCTGC on transcript NM_006307.5 (MANE Select); coding-DNA positions 70 to 71, TGCCGCCTCTGCTGCTGCTGCTGCTGC inserted.
Protein change: p.Leu23_Arg24insLeuProProLeuLeuLeuLeuLeuLeu.
Molecular consequence: inframe insertion.
Genome position: GRCh38 VCF-style: chrX-38220722-C-CGCAGCAGCAGCAGCAGCAGAGGCGGCA. GRCh37 (hg19) VCF-style: chrX-38079975-C-CGCAGCAGCAGCAGCAGCAGAGGCGGCA.
Other names: c.70_71insTGCCGCCTCTGCTGCTGCTGCTGCTGC, p.Leu23_Arg24insLeuProProLeuLeuLeuLeuLeuLeu (NM_001170750.2, NM_001170751.2, NM_001170752.2).
Identifiers: ClinVar variation 3239196 (VCV003239196.19), dbSNP rs1555954434.